The following is an entry in ClinVar:

ClinVar aggregate classification (germline): Uncertain significance (1 of 4 stars; one submission).

Allele frequency attached by ClinVar (database versions not stated): gnomAD 0.00002; TOPMed 0.00001.
gnomAD v4.1: 8 of 1,614,080 alleles (0.0005%); highest among the groups gnomAD compares: African/African-American, 0.004%; no homozygotes.

Submission:

Labcorp Genetics (formerly Invitae), Labcorp
Classification: Uncertain significance. Last evaluated: 2021-12-03. Review status: criteria provided, single submitter. Criteria: Invitae Variant Classification Sherloc (09022015). Collection method: clinical testing. Allele origin: germline.
Comment: This sequence change replaces aspartic acid, which is acidic and polar, with asparagine, which is neutral and polar, at codon 137 of the LOXL3 protein (p.Asp137Asn). This variant is present in population databases (no rsID available, gnomAD 0.004%). This variant has not been reported in the literature in individuals affected with LOXL3-related conditions. Algorithms developed to predict the effect of missense changes on protein structure and function are either unavailable or do not agree on the potential impact of this missense change (SIFT: "Deleterious"; PolyPhen-2: "Possibly Damaging"; Align-GVGD: "Class C0"). In summary, the available evidence is currently insufficient to determine the role of this variant in disease. Therefore, it has been classified as a Variant of Uncertain Significance.

NM_032603.5(LOXL3):c.409G>A (p.Asp137Asn)

Genes: DOK1 (docking protein 1; plus strand), LOXL3 (lysyl oxidase like 3; minus strand). Cytogenetic location: 2p13.1.
Variant type: single nucleotide variant.
Coding change: c.409G>A on transcript NM_032603.5 (MANE Select); coding-DNA position 409, G replaced by A.
Protein change: p.Asp137Asn; replaces aspartic acid 137 with asparagine.
Molecular consequence: missense variant. On other transcripts: intron variant (1).
Genome position (GRCh38, 1-based): chr2:74,550,253, C>T on the plus strand (G>A on the coding strand, the complement: LOXL3 is on the minus strand). VCF-style: chr2-74550253-C-T. GRCh37 (hg19) VCF-style: chr2-74777380-C-T.
Other names: c.409G>A, p.Asp137Asn (NM_001289164.3); c.-358+1081C>T (NM_001197260.2); short protein forms D137N.
Identifiers: ClinVar variation 1525969 (VCV001525969.4), dbSNP rs759306602, ClinGen allele CA347395502.